The following is an entry in ClinVar:

NM_199420.4(POLQ):c.62C>G (p.Ser21Trp)

Genes: POLQ (DNA polymerase theta; minus strand), LOC112872292 (Sharpr-MPRA regulatory region 30; plus strand). Cytogenetic location: 3q13.33.
Variant type: single nucleotide variant.
Coding change: c.62C>G on transcript NM_199420.4 (MANE Select); coding-DNA position 62, C replaced by G.
Protein change: p.Ser21Trp; replaces serine 21 with tryptophan.
Molecular consequence: missense variant.
Genome position (GRCh38, 1-based): chr3:121,545,816, G>C on the plus strand (C>G on the coding strand, the complement: POLQ is on the minus strand). VCF-style: chr3-121545816-G-C. GRCh37 (hg19) VCF-style: chr3-121264663-G-C.
Other names: short protein forms S21W.
Identifiers: ClinVar variation 3230100 (VCV003230100.1), dbSNP rs752406703, ClinGen allele CA2563925.
Genomic context (GRCh38, chr3:121,545,816, plus strand): 5'-GGGCTCAGCACGGACCCGGAGAGGAACTGGGGGCTGGCACTGCTGTCACCGCCGCTTCCC[G>C]AGAACGAATCTGAGCCTGATTCTGAACGCCGCCGTTTCCCACTCCGACGCAGAAGATTCA-3'
Protein context (NP_955452.3, residues 11-31): RRSESGSDSF[Ser21Trp]GSGGDSSASP

ClinVar aggregate classification (germline): Uncertain significance (1 of 4 stars; one submission).

Allele frequency attached by ClinVar (database versions not stated): ExAC 0.00002.
gnomAD v4.1: 15 of 1,613,614 alleles (0.00093%); highest among the groups gnomAD compares: South Asian, 0.015%; no homozygotes.

Submission:

Ambry Genetics
Classification: Uncertain significance. Last evaluated: 2024-01-11. Review status: criteria provided, single submitter. Criteria: Ambry Variant Classification Scheme 2023. Collection method: clinical testing. Allele origin: germline.
Comment: The p.S21W variant (also known as c.62C>G), located in coding exon 1 of the POLQ gene, results from a C to G substitution at nucleotide position 62. The serine at codon 21 is replaced by tryptophan, an amino acid with highly dissimilar properties. This amino acid position is conserved. In addition, this alteration is predicted to be tolerated by in silico analysis. Since supporting evidence is limited at this time, the clinical significance of this alteration remains unclear.